The following is an entry in ClinVar:

NM_001868.4(CPA1):c.700C>T (p.Arg234Cys)

Gene: CPA1 (carboxypeptidase A1; plus strand). Cytogenetic location: 7q32.2.
Variant type: single nucleotide variant.
Coding change: c.700C>T on transcript NM_001868.4 (MANE Select); coding-DNA position 700, C replaced by T.
Protein change: p.Arg234Cys; replaces arginine 234 with cysteine.
Molecular consequence: missense variant.
Genome position (GRCh38, 1-based): chr7:130,384,539, C>T. VCF-style: chr7-130384539-C-T. GRCh37 (hg19) VCF-style: chr7-130024380-C-T.
Other names: c.700C>T (NM_001868.2); short protein forms R234C.
Identifiers: ClinVar variation 2417821 (VCV002417821.7), dbSNP rs782491120, ClinGen allele CA4484915.

ClinVar aggregate classification (germline): Uncertain significance. Review status: criteria provided, multiple submitters, no conflicts (2 of 4 stars). 2 submissions from 2 submitters: Uncertain significance (2). Last evaluated 2025-04-22.

Conditions:
Hereditary pancreatitis (PCTT). Also called: Hereditary chronic pancreatitis; PRSS1-Related Hereditary Pancreatitis. Identifiers: Orphanet 676, MedGen C0238339, MONDO:0008185, OMIM 167800.

Allele frequency attached by ClinVar (database versions not stated): ExAC 0.00001.

Submissions (2):

Labcorp Genetics (formerly Invitae), Labcorp
Classification: Uncertain significance. Last evaluated: 2025-04-22. Review status: criteria provided, single submitter. Criteria: Invitae Variant Classification Sherloc (09022015). Collection method: clinical testing. Allele origin: germline.
Comment: This sequence change replaces arginine, which is basic and polar, with cysteine, which is neutral and slightly polar, at codon 234 of the CPA1 protein (p.Arg234Cys). This variant is present in population databases (rs782491120, gnomAD 0.003%). This variant has not been reported in the literature in individuals affected with CPA1-related conditions. ClinVar contains an entry for this variant (Variation ID: 2417821). Invitae Evidence Modeling of protein sequence and biophysical properties (such as structural, functional, and spatial information, amino acid conservation, physicochemical variation, residue mobility, and thermodynamic stability) indicates that this missense variant is expected to disrupt CPA1 protein function with a positive predictive value of 80%. In summary, the available evidence is currently insufficient to determine the role of this variant in disease. Therefore, it has been classified as a Variant of Uncertain Significance.

Ambry Genetics
Classification: Uncertain significance for Hereditary pancreatitis. Last evaluated: 2023-11-16. Review status: criteria provided, single submitter. Criteria: Ambry Variant Classification Scheme 2023. Collection method: clinical testing. Allele origin: germline.
Comment: The p.R234C variant (also known as c.700C>T), located in coding exon 7 of the CPA1 gene, results from a C to T substitution at nucleotide position 700. The arginine at codon 234 is replaced by cysteine, an amino acid with highly dissimilar properties. This amino acid position is highly conserved in available vertebrate species. In addition, the in silico prediction for this alteration is inconclusive. Since supporting evidence is limited at this time, the clinical significance of this alteration remains unclear.